The following is an entry in ClinVar:

NM_006231.4(POLE):c.1348G>C (p.Glu450Gln)

Gene: POLE (DNA polymerase epsilon, catalytic subunit; minus strand). Cytogenetic location: 12q24.33.
Variant type: single nucleotide variant.
Coding change: c.1348G>C on transcript NM_006231.4 (MANE Select); coding-DNA position 1348, G replaced by C.
Protein change: p.Glu450Gln; replaces glutamic acid 450 with glutamine.
Molecular consequence: missense variant.
Genome position (GRCh38, 1-based): chr12:132,673,586, C>G on the plus strand (G>C on the coding strand, the complement: POLE is on the minus strand). VCF-style: chr12-132673586-C-G. GRCh37 (hg19) VCF-style: chr12-133250172-C-G.
Other names: short protein forms E450Q.
Identifiers: ClinVar variation 4672616 (VCV004672616.1).

ClinVar aggregate classification (germline): Uncertain significance (1 of 4 stars; one submission).

Conditions:
Hereditary cancer-predisposing syndrome. Also called: Neoplastic Syndromes, Hereditary; Tumor predisposition; Hereditary Cancer Syndrome; Hereditary neoplastic syndrome. Identifiers: Orphanet 140162, MedGen C0027672, MeSH D009386, MONDO:0015356.

gnomAD v4.1: 2 of 1,612,580 alleles (0.00012%); highest among the groups gnomAD compares: Non-Finnish European, 0.00017%; no homozygotes.

Submission:

Ambry Genetics
Classification: Uncertain significance for Hereditary cancer-predisposing syndrome. Last evaluated: 2025-11-30. Review status: criteria provided, single submitter. Criteria: Ambry Variant Classification Scheme 2023. Collection method: clinical testing. Allele origin: germline.
Comment: The p.E450Q variant (also known as c.1348G>C), located in coding exon 13 of the POLE gene, results from a G to C substitution at nucleotide position 1348. The glutamic acid at codon 450 is replaced by glutamine, an amino acid with highly similar properties. This amino acid position is conserved. In addition, the in silico prediction for this alteration is inconclusive. Based on the available evidence, the clinical significance of this variant remains unclear.